The following is an entry in ClinVar:

ClinVar aggregate classification (germline): Uncertain significance. Review status: criteria provided, multiple submitters, no conflicts (2 of 4 stars). 2 submissions from 2 submitters: Uncertain significance (2). Last evaluated 2024-11-24.

Allele frequency attached by ClinVar (database versions not stated): ExAC 0.00001; gnomAD exomes 0.00002.
gnomAD v4.1: 17 of 1,613,256 alleles (0.0011%); highest among the groups gnomAD compares: South Asian, 0.0066%; no homozygotes.

Submissions (2):

Labcorp Genetics (formerly Invitae), Labcorp
Classification: Uncertain significance. Last evaluated: 2024-11-24. Review status: criteria provided, single submitter. Criteria: Invitae Variant Classification Sherloc (09022015). Collection method: clinical testing. Allele origin: germline.
Comment: This sequence change replaces glycine, which is neutral and non-polar, with serine, which is neutral and polar, at codon 193 of the TBX20 protein (p.Gly193Ser). This variant is present in population databases (rs766895072, gnomAD 0.01%). This variant has not been reported in the literature in individuals affected with TBX20-related conditions. ClinVar contains an entry for this variant (Variation ID: 1311998). Invitae Evidence Modeling of protein sequence and biophysical properties (such as structural, functional, and spatial information, amino acid conservation, physicochemical variation, residue mobility, and thermodynamic stability) indicates that this missense variant is expected to disrupt TBX20 protein function with a positive predictive value of 80%. In summary, the available evidence is currently insufficient to determine the role of this variant in disease. Therefore, it has been classified as a Variant of Uncertain Significance.

GeneDx
Classification: Uncertain significance. Last evaluated: 2020-01-29. Review status: criteria provided, single submitter. Criteria: GeneDx Variant Classification Process June 2021. Collection method: clinical testing. Allele origin: germline. Affected: yes.
Comment: In silico analysis, which includes protein predictors and evolutionary conservation, supports a deleterious effect; Has not been previously published as pathogenic or benign to our knowledge

NM_001077653.2(TBX20):c.577G>A (p.Gly193Ser)

Gene: TBX20 (T-box transcription factor 20; minus strand). Cytogenetic location: 7p14.2.
Variant type: single nucleotide variant.
Coding change: c.577G>A on transcript NM_001077653.2 (MANE Select); coding-DNA position 577, G replaced by A.
Protein change: p.Gly193Ser; replaces glycine 193 with serine.
Molecular consequence: missense variant.
Genome position (GRCh38, 1-based): chr7:35,245,026, C>T on the plus strand (G>A on the coding strand, the complement: TBX20 is on the minus strand). VCF-style: chr7-35245026-C-T. GRCh37 (hg19) VCF-style: chr7-35284638-C-T.
Other names: c.577G>A, p.Gly193Ser (NM_001166220.1); short protein forms G193S.
Identifiers: ClinVar variation 1311998 (VCV001311998.7), dbSNP rs766895072, ClinGen allele CA4217462.
Genomic context (GRCh38, chr7:35,245,026, plus strand): 5'-GTTCATTGTTGGTGAGTTTCACCTTTTCAAAAGACACCATCTGTTTGAGTAGTTGCTCAC[C>T]GGTAAAAGGAGAATCTGGATGCACATAGAGCCTAAGAAAATTAGGAGAAAACTTTATTGA-3'
Protein context (NP_001071121.1, residues 183-203): LYVHPDSPFT[Gly193Ser]EQLLKQMVSF